The following is an entry in ClinVar:

ClinVar aggregate classification (germline): Pathogenic (1 of 4 stars; one submission).

Submission:

Labcorp Genetics (formerly Invitae), Labcorp
Classification: Pathogenic. Last evaluated: 2022-10-28. Review status: criteria provided, single submitter. Criteria: Invitae Variant Classification Sherloc (09022015). Collection method: clinical testing. Allele origin: germline.
Comment: For these reasons, this variant has been classified as Pathogenic. This variant disrupts a region of the CNNM4 protein in which other variant(s) (p.Gln717*) have been determined to be pathogenic (PMID: 19200525). This suggests that this is a clinically significant region of the protein, and that variants that disrupt it are likely to be disease-causing. This variant has not been reported in the literature in individuals affected with CNNM4-related conditions. This variant is not present in population databases (gnomAD no frequency). This sequence change creates a premature translational stop signal (p.His655Profs*79) in the CNNM4 gene. While this is not anticipated to result in nonsense mediated decay, it is expected to disrupt the last 121 amino acid(s) of the CNNM4 protein.

Literature cited by the submitters: PubMed 19200525.

NM_020184.4(CNNM4):c.1964del (p.His655fs)

Gene: CNNM4 (cyclin and CBS domain divalent metal cation transport mediator 4; plus strand). Cytogenetic location: 2q11.2.
Variant type: Deletion.
Coding change: c.1964del on transcript NM_020184.4 (MANE Select); coding-DNA position 1964, one base deleted (A; older notation c.1964delA).
Protein change: p.His655fs; shifts the reading frame from histidine 655.
Molecular consequence: frameshift variant.
Genome position (GRCh38, 1-based): chr2:96,808,576, A deleted. VCF-style (leftmost placement, unchanged base first): chr2-96808575-CA-C. GRCh37 (hg19) VCF-style: chr2-97474312-CA-C.
Other names: short protein forms H655fs.
Identifiers: ClinVar variation 2133625 (VCV002133625.4), dbSNP rs2466486944, ClinGen allele CA2580068347.